The following is an entry in ClinVar:

ClinVar aggregate classification (germline): Uncertain significance. Review status: criteria provided, multiple submitters, no conflicts (2 of 4 stars). 3 submissions from 3 submitters: Uncertain significance (3). Last evaluated 2024-05-14.

Conditions:
SYNE2-related disorder. Also called: SYNE2-related condition.
Emery-Dreifuss muscular dystrophy 5, autosomal dominant (EDMD5). Also called: EMERY-DREIFUSS MUSCULAR DYSTROPHY 5. Identifiers: Orphanet 261, MedGen C2751805, MONDO:0013072, OMIM 612999.

Allele frequency attached by ClinVar (database versions not stated): gnomAD exomes below 0.00001; gnomAD 0.00003; TOPMed 0.00008.
gnomAD v4.1: 9 of 1,613,756 alleles (0.00056%); highest among the groups gnomAD compares: Admixed American, 0.012%; no homozygotes.

Submissions (3):

Ambry Genetics
Classification: Uncertain significance. Last evaluated: 2024-05-14. Review status: criteria provided, single submitter. Criteria: Ambry Variant Classification Scheme 2023. Collection method: clinical testing. Allele origin: germline.

Labcorp Genetics (formerly Invitae), Labcorp
Classification: Uncertain significance for Emery-Dreifuss muscular dystrophy 5, autosomal dominant. Last evaluated: 2022-12-15. Review status: criteria provided, single submitter. Criteria: Invitae Variant Classification Sherloc (09022015). Collection method: clinical testing. Allele origin: germline.
Comment: In summary, the available evidence is currently insufficient to determine the role of this variant in disease. Therefore, it has been classified as a Variant of Uncertain Significance. Algorithms developed to predict the effect of missense changes on protein structure and function output the following: SIFT: "Tolerated"; PolyPhen-2: "Probably Damaging"; Align-GVGD: "Class C0". The phenylalanine amino acid residue is found in multiple mammalian species, which suggests that this missense change does not adversely affect protein function. This variant has not been reported in the literature in individuals affected with SYNE2-related conditions. This variant is not present in population databases (gnomAD no frequency). This sequence change replaces leucine, which is neutral and non-polar, with phenylalanine, which is neutral and non-polar, at codon 1884 of the SYNE2 protein (p.Leu1884Phe).

PreventionGenetics, part of Exact Sciences
Classification: Uncertain significance for SYNE2-related condition. Last evaluated: 2022-10-04. Review status: criteria provided, single submitter. Criteria: ACMG Guidelines, 2015. Collection method: clinical testing. Allele origin: germline.
Comment: The SYNE2 c.5650C>T variant is predicted to result in the amino acid substitution p.Leu1884Phe. To our knowledge, this variant has not been reported in the literature or in a large population database, indicating this variant is rare. At this time, the clinical significance of this variant is uncertain due to the absence of conclusive functional and genetic evidence.

NM_182914.3(SYNE2):c.5650C>T (p.Leu1884Phe)

Gene: SYNE2 (spectrin repeat containing nuclear envelope protein 2; plus strand). Cytogenetic location: 14q23.2.
Variant type: single nucleotide variant.
Coding change: c.5650C>T on transcript NM_182914.3 (MANE Select); coding-DNA position 5650, C replaced by T.
Protein change: p.Leu1884Phe; replaces leucine 1884 with phenylalanine.
Molecular consequence: missense variant.
Genome position (GRCh38, 1-based): chr14:64,024,269, C>T. VCF-style: chr14-64024269-C-T. GRCh37 (hg19) VCF-style: chr14-64490987-C-T.
Other names: c.5650C>T (NM_182914.2); c.5650C>T, p.Leu1884Phe (NM_015180.6); short protein forms L1884F.
Identifiers: ClinVar variation 2083756 (VCV002083756.6), dbSNP rs994537191, ClinGen allele CA261814145.
Genomic context (GRCh38, chr14:64,024,269, plus strand): 5'-CATTCAGACTTGCCAGGAGATTGTAATGGACTTTTTGTCTTTCTGAAGGATTTCTTGACT[C>T]TTGAAGGAAGAAACAGTAAAATAAAGCAGGTGGACAGCGTACTGAAGCATGTGAAGAAGC-3'
Protein context (NP_878918.2, residues 1874-1894): KLQKLSDFLT[Leu1884Phe]EGRNSKIKQV